The following is an entry in ClinVar:

NM_006796.3(AFG3L2):c.2218G>C (p.Asp740His)

Genes: AFG3L2 (AFG3 like matrix AAA peptidase subunit 2; minus strand), TUBB6 (tubulin beta 6 class V; plus strand). Cytogenetic location: 18p11.21.
Variant type: single nucleotide variant.
Coding change: c.2218G>C on transcript NM_006796.3 (MANE Select); coding-DNA position 2218, G replaced by C.
Protein change: p.Asp740His; replaces aspartic acid 740 with histidine.
Molecular consequence: missense variant. On other transcripts: 3 prime UTR variant (1).
Genome position (GRCh38, 1-based): chr18:12,329,741, C>G on the plus strand (G>C on the coding strand, the complement: AFG3L2 is on the minus strand). VCF-style: chr18-12329741-C-G. GRCh37 (hg19) VCF-style: chr18-12329740-C-G.
Other names: c.*558C>G (NM_001303525.2); short protein forms D740H.
Identifiers: ClinVar variation 2663739 (VCV002663739.1), dbSNP rs2143074393, ClinGen allele CA401950852.

ClinVar aggregate classification (germline): Uncertain significance (1 of 4 stars; one submission).

Submission:

GeneDx
Classification: Uncertain significance. Last evaluated: 2023-04-06. Review status: criteria provided, single submitter. Criteria: GeneDx Variant Classification Process June 2021. Collection method: clinical testing. Allele origin: germline. Affected: yes.
Comment: Not observed at significant frequency in large population cohorts (gnomAD); In silico analysis supports that this missense variant has a deleterious effect on protein structure/function; Has not been previously published as pathogenic or benign to our knowledge